The following is an entry in ClinVar:

ClinVar aggregate classification (germline): Uncertain significance (1 of 4 stars; one submission).

Allele frequency attached by ClinVar (database versions not stated): TOPMed below 0.00001.
gnomAD v4.1: 1 of 1,614,246 alleles (0.000062%); no homozygotes.

Submission:

Labcorp Genetics (formerly Invitae), Labcorp
Classification: Uncertain significance. Last evaluated: 2022-10-24. Review status: criteria provided, single submitter. Criteria: Invitae Variant Classification Sherloc (09022015). Collection method: clinical testing. Allele origin: germline.
Comment: In summary, the available evidence is currently insufficient to determine the role of this variant in disease. Therefore, it has been classified as a Variant of Uncertain Significance. Advanced modeling of protein sequence and biophysical properties (such as structural, functional, and spatial information, amino acid conservation, physicochemical variation, residue mobility, and thermodynamic stability) performed at Invitae indicates that this missense variant is expected to disrupt TRPM1 protein function. ClinVar contains an entry for this variant (Variation ID: 1504255). This variant has not been reported in the literature in individuals affected with TRPM1-related conditions. This variant is not present in population databases (gnomAD no frequency). This sequence change replaces aspartic acid, which is acidic and polar, with histidine, which is basic and polar, at codon 287 of the TRPM1 protein (p.Asp287His).

NM_001252024.2(TRPM1):c.925G>C (p.Asp309His)

Gene: TRPM1 (transient receptor potential cation channel subfamily M member 1; minus strand). Cytogenetic location: 15q13.3.
Variant type: single nucleotide variant.
Coding change: c.925G>C on transcript NM_001252024.2 (MANE Select); coding-DNA position 925, G replaced by C.
Protein change: p.Asp309His; replaces aspartic acid 309 with histidine.
Molecular consequence: missense variant.
Genome position (GRCh38, 1-based): chr15:31,063,158, C>G on the plus strand (G>C on the coding strand, the complement: TRPM1 is on the minus strand). VCF-style: chr15-31063158-C-G. GRCh37 (hg19) VCF-style: chr15-31355361-C-G.
Other names: c.976G>C, p.Asp326His (NM_001252020.2); c.859G>C, p.Asp287His (NM_002420.6); short protein forms D326H, D287H, D309H.
Identifiers: ClinVar variation 1504255 (VCV001504255.8), dbSNP rs2034280174, ClinGen allele CA391528190.